The following is an entry in ClinVar:

NM_001710.6(CFB):c.1953T>G (p.Asp651Glu)

Gene: CFB (complement factor B; plus strand). Cytogenetic location: 6p21.33.
Variant type: single nucleotide variant.
Coding change: c.1953T>G on transcript NM_001710.6 (MANE Select); coding-DNA position 1953, T replaced by G.
Protein change: p.Asp651Glu; replaces aspartic acid 651 with glutamic acid.
Molecular consequence: missense variant.
Genome position (GRCh38, 1-based): chr6:31,951,241, T>G. VCF-style: chr6-31951241-T-G. GRCh37 (hg19) VCF-style: chr6-31919018-T-G.
Other names: p.Asp651Glu; short protein forms D651E.
Identifiers: ClinVar variation 903887 (VCV000903887.19), dbSNP rs4151660, ClinGen allele CA3728500.

ClinVar aggregate classification (germline): Benign/Likely benign. Review status: criteria provided, multiple submitters, no conflicts (2 of 4 stars). 7 submissions from 6 submitters: Benign (5); Likely benign (2). Last evaluated 2026-01-28.

Conditions:
Atypical hemolytic-uremic syndrome. Identifiers: Orphanet 2134, MedGen C2931788, MONDO:0016244.
Atypical hemolytic-uremic syndrome with B factor anomaly. Also called: HEMOLYTIC UREMIC SYNDROME, ATYPICAL, SUSCEPTIBILITY TO, 4; AHUS, SUSCEPTIBILITY TO, 4. Identifiers: Orphanet 2134, MedGen C2752038, MONDO:0013042, OMIM 612924.
Macular degeneration. Also called: Degenerative disorder of macula. Identifiers: MedGen C0024437, MONDO:0003004, HP:0000608.

Allele frequency attached by ClinVar (database versions not stated): gnomAD exomes 0.00065 and 0.00180; ExAC 0.00228; gnomAD 0.00642 and 0.00673; TOPMed 0.00709; ESP Exome Variant Server 0.00936; 1000 Genomes Project 0.01038; 1000 Genomes Project 30x 0.01124.

Submissions (7):

Labcorp Genetics (formerly Invitae), Labcorp
Classification: Benign. Last evaluated: 2026-01-28. Review status: criteria provided, single submitter. Criteria: Invitae Variant Classification Sherloc (09022015). Collection method: clinical testing. Allele origin: germline.

CeGaT Center for Human Genetics Tuebingen
Classification: Benign. Last evaluated: 2026-01-01. Review status: criteria provided, single submitter. Criteria: CeGaT Center For Human Genetics Tuebingen Variant Classification Criteria Version 2. Collection method: clinical testing. Allele origin: germline. Affected: yes. Observed: 1 variant allele.
Comment: CFB: BP4, BS1, BS2

Genomenon, Inc
Classification: Benign for Atypical hemolytic-uremic syndrome. Last evaluated: 2025-09-26. Review status: criteria provided, single submitter. Criteria: Genomenon Sequence Variant Interpretation Standards - Updated. Collection method: curation. Allele origin: germline. Affected: no.
Comment: CFB p.Asp651Glu (c.1953T>G) is a missense variant that changes the amino acid at residue 651 from Aspartic acid to Glutamic acid. This variant is present at high allele frequency in population databases. In conclusion, we classify CFB p.Asp651Glu (c.1953T>G) as a benign variant.

Mayo Clinic Laboratories, Mayo Clinic
Classification: Likely benign. Last evaluated: 2025-06-30. Review status: criteria provided, single submitter. Criteria: ACMG Guidelines, 2015. Collection method: clinical testing. Allele origin: germline. Observed: 33 variant alleles.
Comment: BS1, BP4

Blueprint Genetics
Classification: Likely benign. Last evaluated: 2024-10-02. Review status: criteria provided, single submitter. Criteria: ACMG Guidelines, 2015. Collection method: clinical testing. Allele origin: germline.

Illumina Laboratory Services, Illumina
Classification: Benign for Macular degeneration. Last evaluated: 2018-01-13. Review status: criteria provided, single submitter. Criteria: ICSL Variant Classification Criteria 13 December 2019. Collection method: clinical testing. Allele origin: germline.
Comment: This variant was observed in the ICSL laboratory as part of a predisposition screen in an ostensibly healthy population. It had not been previously curated by ICSL or reported in the Human Gene Mutation Database (HGMD: prior to June 1st, 2018), and was therefore a candidate for classification through an automated scoring system. Utilizing variant allele frequency, disease prevalence and penetrance estimates, and inheritance mode, an automated score was calculated to assess if this variant is too frequent to cause the disease. Based on the score and internal cut-off values, a variant classified as benign is not then subjected to further curation. The score for this variant resulted in a classification of benign for this disease.

Illumina Laboratory Services, Illumina
Classification: Benign for Atypical hemolytic-uremic syndrome with B factor anomaly. Last evaluated: 2018-01-13. Review status: criteria provided, single submitter. Criteria: ICSL Variant Classification Criteria 13 December 2019. Collection method: clinical testing. Allele origin: germline.
Comment: the same text as in the submission from Illumina Laboratory Services, Illumina above.

Literature cited by the submitters: PubMed 37744338 (cited by Mayo Clinic Laboratories, Mayo Clinic).